The following is an entry in ClinVar:

ClinVar aggregate classification (germline): Pathogenic. Review status: criteria provided, multiple submitters, no conflicts (2 of 4 stars). 5 submissions from 5 submitters: Pathogenic (4). 1 of the submissions does not count toward it. Last evaluated 2025-12-03.

Conditions:
FANCA-related disorder. Also called: FANCA-related condition.
Fanconi anemia (FA). Also called: Fanconi's anemia. Identifiers: Orphanet 84, MedGen C0015625, MeSH D005199, MONDO:0019391.
Fanconi anemia complementation group A (FANCA). Also called: Fanconi anemia, group A; FANCA-Related Fanconi Anemia. Identifiers: Orphanet 84, MedGen C3469521, MONDO:0009215, OMIM 227650.

Allele frequency attached by ClinVar (database versions not stated): gnomAD exomes 0.00001; TOPMed 0.00002; gnomAD 0.00003.
gnomAD v4.1: 15 of 1,612,968 alleles (0.00093%); highest among the groups gnomAD compares: Non-Finnish European, 0.0013%; no homozygotes.

Submissions (5):

Labcorp Genetics (formerly Invitae), Labcorp
Classification: Pathogenic for Fanconi anemia. Last evaluated: 2025-12-03. Review status: criteria provided, single submitter. Criteria: Invitae Variant Classification Sherloc (09022015). Collection method: clinical testing. Allele origin: germline.
Comment: This sequence change affects a donor splice site in intron 38 of the FANCA gene. It is expected to disrupt RNA splicing. Variants that disrupt the donor or acceptor splice site typically lead to a loss of protein function (PMID: 16199547), and loss-of-function variants in FANCA are known to be pathogenic (PMID: 19367192). This variant is present in population databases (no rsID available, gnomAD 0.003%). Disruption of this splice site has been observed in individual(s) with clinical features of Fanconi anemia (PMID: 29098742; internal data). In at least one individual the data is consistent with being in trans (on the opposite chromosome) from a pathogenic variant. ClinVar contains an entry for this variant (Variation ID: 456123). Algorithms developed to predict the effect of sequence changes on RNA splicing suggest that this variant may disrupt the consensus splice site. For these reasons, this variant has been classified as Pathogenic.

Natera, Inc.
Classification: Pathogenic for Fanconi anemia. Last evaluated: 2025-01-07. Review status: criteria provided, single submitter. Criteria: Natera Variant Classification Schema (03/2026). Collection method: clinical testing. Allele origin: germline.
Comment: The c.3828+1G>C variant in FANCA is a canonical splice donor site variant predicted to affect pre-mRNA splicing, which may result in an abnormal transcript and altered protein product. This variant is expected to result in nonsense mediated decay, truncation, or a dysfunctional protein product. This variant is rare in the general population with a frequency below the threshold expected for the associated phenotype(s). Another variant at this same site results in an alteration predicted to cause a similar molecular effect has been observed in individual(s) with the associated phenotype. Given the available evidence, this variant is classified as Pathogenic.

Baylor Genetics
Classification: Pathogenic for Fanconi anemia complementation group A. Last evaluated: 2024-03-26. Review status: criteria provided, single submitter. Criteria: ACMG Guidelines, 2015. Collection method: clinical testing. Allele origin: unknown.

Revvity Omics, Revvity
Classification: Pathogenic for Fanconi anemia complementation group A. Last evaluated: 2019-02-12. Review status: criteria provided, single submitter. Criteria: ACMG Guidelines, 2015. Collection method: clinical testing. Allele origin: germline.

PreventionGenetics, part of Exact Sciences
Classification: Pathogenic for FANCA-related condition. Last evaluated: 2024-02-26. Review status: no assertion criteria provided. Collection method: clinical testing. Allele origin: germline. Not counted in ClinVar's aggregate classification.
Comment: The FANCA c.3828+1G>C variant is predicted to disrupt the GT donor site and interfere with normal splicing. This variant is predicted to abolish the consensus exon 38 splice donor site according to available splice prediction programs (Alamut Visual plus v1.6.1) and has been reported in a patient with Fanconi anemia who also harbored a large deletion of the FANCA gene presumably on the opposite chromosome (Kimble et al. 2018. PubMed ID: 29098742). A different variant affecting the same splice site, c.3828+1G>T has also been reported to cause FA (Castella et al. 2011. PubMed ID: 21273304) suggesting that disruption of the exon 38 splice donor site is not tolerated. This variant is reported in 0.0031% of alleles in individuals of European (Non-Finnish) descent in gnomAD and is interpreted as pathogenic in ClinVar. Variants that disrupt the consensus splice donor site in FANCA are expected to be pathogenic. This variant is interpreted as pathogenic.

Literature cited by the submitters: PubMed 16199547 (cited by Labcorp Genetics (formerly Invitae), Labcorp); PubMed 19367192 (cited by Labcorp Genetics (formerly Invitae), Labcorp); PubMed 29098742 (cited by Labcorp Genetics (formerly Invitae), Labcorp).

NM_000135.4(FANCA):c.3828+1G>C

Genes: FANCA (FA complementation group A; minus strand), ZNF276 (zinc finger protein 276; plus strand), LOC132090445 (Neanderthal introgressed variant-containing enhancer experimental_46704; plus strand). Cytogenetic location: 16q24.3.
Variant type: single nucleotide variant.
Coding change: c.3828+1G>C on transcript NM_000135.4 (MANE Select); the canonical splice donor site of the intron after coding-DNA position 3828, G replaced by C.
Molecular consequence: splice donor variant. On other transcripts: 3 prime UTR variant (2), non-coding transcript variant (4).
Genome position (GRCh38, 1-based): chr16:89,740,803, C>G on the plus strand (G>C on the coding strand, the complement: FANCA is on the minus strand). VCF-style: chr16-89740803-C-G. GRCh37 (hg19) VCF-style: chr16-89807211-C-G.
Other names: c.*2557C>G (NM_001113525.2, NM_152287.4); c.3828+1G>C (NM_001286167.3, NM_000135.3).
Identifiers: ClinVar variation 456123 (VCV000456123.17), dbSNP rs1432988639, ClinGen allele CA397485124.